The following is an entry in ClinVar:

NM_152383.5(DIS3L2):c.1425G>A (p.Lys475=)

Gene: DIS3L2 (DIS3 like 3'-5' exoribonuclease 2; plus strand). Cytogenetic location: 2q37.1.
Variant type: single nucleotide variant.
Coding change: c.1425G>A on transcript NM_152383.5 (MANE Select); coding-DNA position 1425, G replaced by A.
Protein change: p.Lys475=; no amino-acid change (lysine 475 retained).
Molecular consequence: synonymous variant. On other transcripts: non-coding transcript variant (2).
Genome position (GRCh38, 1-based): chr2:232,249,346, G>A. VCF-style: chr2-232249346-G-A. GRCh37 (hg19) VCF-style: chr2-233114056-G-A.
Other names: c.1425G>A, p.Lys475= (NM_001257281.2).
Identifiers: ClinVar variation 1508635 (VCV001508635.6), dbSNP rs1693357303, ClinGen allele CA431914438.
Genomic context (GRCh38, chr2:232,249,346, plus strand): 5'-CAACCCCATGTCCGACAAGCTGACCTTCTCTGTGATCTGGACACTGACTCCAGAGGGCAA[G>A]GTAACAACTTACACGTTTTCTTTCTCCACTTACCTCTTTTCTGTTCCATGAGTCATGAAG-3'
Protein context (NP_689596.4, residues 465-485): SVIWTLTPEG[Lys475=]ILDEWFGRTI

ClinVar aggregate classification (germline): Uncertain significance (1 of 4 stars; one submission).

Conditions:
Perlman syndrome (PRLMNS). Identifiers: Orphanet 2849, MedGen C0796113, MONDO:0009965, OMIM 267000.

Allele frequency attached by ClinVar (database versions not stated): gnomAD exomes below 0.00001; TOPMed below 0.00001; gnomAD 0.00001.
gnomAD v4.1: 2 of 1,613,956 alleles (0.00012%); highest among the groups gnomAD compares: African/African-American, 0.0027%; no homozygotes.

Submission:

Labcorp Genetics (formerly Invitae), Labcorp
Classification: Uncertain significance for Perlman syndrome. Last evaluated: 2021-07-29. Review status: criteria provided, single submitter. Criteria: Invitae Variant Classification Sherloc (09022015). Collection method: clinical testing. Allele origin: germline.
Comment: In summary, the available evidence is currently insufficient to determine the role of this variant in disease. Therefore, it has been classified as a Variant of Uncertain Significance. Nucleotide substitutions within the consensus splice site are a relatively common cause of aberrant splicing (PMID: 17576681, 9536098). Algorithms developed to predict the effect of sequence changes on RNA splicing suggest that this variant may disrupt the consensus splice site. This variant has not been reported in the literature in individuals affected with DIS3L2-related conditions. This variant is not present in population databases (ExAC no frequency). This sequence change affects codon 475 of the DIS3L2 mRNA. It is a 'silent' change, meaning that it does not change the encoded amino acid sequence of the DIS3L2 protein. This variant also falls at the last nucleotide of exon 12, which is part of the consensus splice site for this exon.

Literature cited by the submitters: PubMed 17576681; PubMed 9536098.